The following is an entry in ClinVar:

ClinVar aggregate classification (germline): Uncertain significance. Review status: criteria provided, multiple submitters, no conflicts (2 of 4 stars). 2 submissions from 2 submitters: Uncertain significance (2). Last evaluated 2026-04-28.

Conditions:
Inborn genetic diseases. Identifiers: MedGen C0950123, MeSH D030342.

Submissions (2):

Women's Health and Genetics/Laboratory Corporation of America, LabCorp
Classification: Uncertain significance. Last evaluated: 2026-04-28. Review status: criteria provided, single submitter. Criteria: LabCorp Variant Classification Summary - May 2015. Collection method: clinical testing. Allele origin: germline.
Comment: Variant summary: CRTAP c.19G>A (p.Gly7Arg) results in a non-conservative amino acid change in the encoded protein sequence. Algorithms developed to predict the effect of missense changes on protein structure and function are either unavailable or do not agree on the potential impact of this missense change. The variant was absent in 78364 control chromosomes. The available data on variant occurrences in the general population are insufficient to allow any conclusion about variant significance. To our knowledge, no occurrence of c.19G>A in individuals affected with CRTAP-related conditions and no experimental evidence demonstrating its impact on protein function have been reported. No submitters have cited clinical-significance assessments for this variant to ClinVar. Based on the evidence outlined above, the variant was classified as uncertain significance.

Ambry Genetics
Classification: Uncertain significance for Inborn genetic diseases. Last evaluated: 2025-07-15. Review status: criteria provided, single submitter. Criteria: Ambry Variant Classification Scheme 2023. Collection method: clinical testing. Allele origin: germline.

NM_006371.5(CRTAP):c.19G>A (p.Gly7Arg)

Genes: CRTAP (cartilage associated protein; plus strand), LOC129936436 (ATAC-STARR-seq lymphoblastoid silent region 14183; plus strand). Cytogenetic location: 3p22.3.
Variant type: single nucleotide variant.
Coding change: c.19G>A on transcript NM_006371.5 (MANE Select); coding-DNA position 19, G replaced by A.
Protein change: p.Gly7Arg; replaces glycine 7 with arginine.
Molecular consequence: missense variant.
Genome position (GRCh38, 1-based): chr3:33,114,096, G>A. VCF-style: chr3-33114096-G-A. GRCh37 (hg19) VCF-style: chr3-33155588-G-A.
Other names: c.19G>A, p.Gly7Arg (NM_001393363.1, NM_001393364.1, NM_001393365.1); short protein forms G7R.
Identifiers: ClinVar variation 4234495 (VCV004234495.2).